The following is an entry in ClinVar:

NM_001367561.1(DOCK7):c.2327C>T (p.Ala776Val)

Gene: DOCK7 (dedicator of cytokinesis 7; minus strand). Cytogenetic location: 1p31.3.
Variant type: single nucleotide variant.
Coding change: c.2327C>T on transcript NM_001367561.1 (MANE Select); coding-DNA position 2327, C replaced by T.
Protein change: p.Ala776Val; replaces alanine 776 with valine.
Molecular consequence: missense variant.
Genome position (GRCh38, 1-based): chr1:62,559,093, G>A on the plus strand (C>T on the coding strand, the complement: DOCK7 is on the minus strand). VCF-style: chr1-62559093-G-A. GRCh37 (hg19) VCF-style: chr1-63024764-G-A.
Other names: c.2327C>T, p.Ala776Val (NM_001271999.2, NM_001272000.2, NM_001272001.2 and 2 more transcripts); short protein forms A776V.
Identifiers: ClinVar variation 2054217 (VCV002054217.2), dbSNP rs1033885455, ClinGen allele CA23754591.
Genomic context (GRCh38, chr1:62,559,093, plus strand): 5'-AGTTTATCTAGCAGAAGATGAAGAAATCGGACCACTGGTTCCAGCTGGGATGAATTCAGT[G>A]CTGAAATACTGCTCTTCAATTCATTTTCTAAGTTATTTTCCATGATTCGCATGTCCCCAA-3'
Protein context (NP_001354490.1, residues 766-786): LENELKSSIS[Ala776Val]LNSSQLEPVV

ClinVar aggregate classification (germline): Uncertain significance (1 of 4 stars; one submission).

Conditions:
Developmental and epileptic encephalopathy, 23 (DEE23). Also called: Epileptic encephalopathy, early infantile, 23. Identifiers: Orphanet 411986, MedGen C4014492, MONDO:0014371, OMIM 615859.

Allele frequency attached by ClinVar (database versions not stated): gnomAD exomes below 0.00001; TOPMed 0.00003.
gnomAD v4.1: 2 of 1,613,878 alleles (0.00012%); highest among the groups gnomAD compares: African/African-American, 0.0027%; no homozygotes.

Submission:

Labcorp Genetics (formerly Invitae), Labcorp
Classification: Uncertain significance for Developmental and epileptic encephalopathy, 23. Last evaluated: 2024-12-02. Review status: criteria provided, single submitter. Criteria: Invitae Variant Classification Sherloc (09022015). Collection method: clinical testing. Allele origin: germline.
Comment: This sequence change replaces alanine, which is neutral and non-polar, with valine, which is neutral and non-polar, at codon 776 of the DOCK7 protein (p.Ala776Val). This variant is not present in population databases (gnomAD no frequency). This variant has not been reported in the literature in individuals affected with DOCK7-related conditions. ClinVar contains an entry for this variant (Variation ID: 2054217). Invitae Evidence Modeling of protein sequence and biophysical properties (such as structural, functional, and spatial information, amino acid conservation, physicochemical variation, residue mobility, and thermodynamic stability) indicates that this missense variant is not expected to disrupt DOCK7 protein function with a negative predictive value of 80%. In summary, the available evidence is currently insufficient to determine the role of this variant in disease. Therefore, it has been classified as a Variant of Uncertain Significance.